The following is an entry in ClinVar:

ClinVar aggregate classification (germline): Likely benign (1 of 4 stars; one submission).

Submission:

CeGaT Center for Human Genetics Tuebingen
Classification: Likely benign. Last evaluated: 2026-09-01. Review status: criteria provided, single submitter. Criteria: CeGaT Center For Human Genetics Tuebingen Variant Classification Criteria Version 2. Collection method: clinical testing. Allele origin: germline. Affected: yes. Observed: 1 variant allele.
Comment: OPTN: PM2:Supporting, BP4, BP7

NM_001008212.2(OPTN):c.330G>A (p.Glu110=)

Genes: OPTN (optineurin; plus strand), LOC108903148 (10p13 OPTN distal Alu-mediated recombination region; plus strand). Cytogenetic location: 10p13.
Variant type: single nucleotide variant.
Coding change: c.330G>A on transcript NM_001008212.2 (MANE Select); coding-DNA position 330, G replaced by A.
Protein change: p.Glu110=; no amino-acid change (glutamic acid 110 retained).
Molecular consequence: synonymous variant.
Genome position (GRCh38, 1-based): chr10:13,110,437, G>A. VCF-style: chr10-13110437-G-A. GRCh37 (hg19) VCF-style: chr10-13152437-G-A.
Other names: c.330G>A, p.Glu110= (NM_001008211.1, NM_001008213.1, NM_021980.4).
Identifiers: ClinVar variation 5041325 (VCV005041325.1).